The following is an entry in ClinVar:

NM_000939.4(POMC):c.132+5G>T

Gene: POMC (proopiomelanocortin; minus strand). Cytogenetic location: 2p23.3.
Variant type: single nucleotide variant.
Coding change: c.132+5G>T on transcript NM_000939.4 (MANE Select); 5 bases into the intron after coding-DNA position 132, G replaced by T.
Molecular consequence: intron variant.
Genome position (GRCh38, 1-based): chr2:25,164,636, C>A on the plus strand (G>T on the coding strand, the complement: POMC is on the minus strand). VCF-style: chr2-25164636-C-A. GRCh37 (hg19) VCF-style: chr2-25387505-C-A.
Other names: c.132+5G>T (NM_001319205.2, NM_001035256.3, NM_001319204.2).
Identifiers: ClinVar variation 4980067 (VCV004980067.1).

ClinVar aggregate classification (germline): Uncertain significance (1 of 4 stars; one submission).

Conditions:
POMC-related disorder. Also called: POMC-related condition; POMC-related disorders.

gnomAD v4.1: 10 of 1,613,918 alleles (0.00062%); highest among the groups gnomAD compares: Middle Eastern, 0.016%; no homozygotes.

Submission:

PreventionGenetics, part of Exact Sciences
Classification: Uncertain significance for POMC-related condition. Last evaluated: 2026-08-24. Review status: criteria provided, single submitter. Criteria: ACMG Guidelines, 2015. Collection method: clinical testing. Allele origin: germline.
Comment: The POMC c.132+5G>T variant is predicted to interfere with splicing. This variant is not predicted to interfere with splicing based on available splicing prediction programs (SpliceAI, Jaganathan et al. 2019. PubMed ID: 30661751); however, the +5 position is part of the minimal donor splice region which is clinically relevant (Lord et al. 2019. PubMed ID: 30587507; Walker et al. 2023. PubMed ID: 37352859). To our knowledge, this variant has not been reported in the literature. This variant is reported in 0.0065% of alleles in individuals of South Asian descent in gnomAD. At this time, the clinical significance of this variant is uncertain due to the absence of conclusive functional and genetic evidence.